The following is an entry in ClinVar:

ClinVar aggregate classification (germline): Conflicting classifications of pathogenicity. Review status: criteria provided, conflicting classifications (1 of 4 stars). 8 submissions from 8 submitters: Uncertain significance (1); Likely benign (5). 2 of the submissions do not count toward it. Last evaluated 2026-05-30.

Conditions:
CBS-related disorder. Also called: CBS-related condition.
HYPERHOMOCYSTEINEMIA, THROMBOTIC, CBS-RELATED. Identifiers: MedGen C3150344, OMIM 236200.
Familial thoracic aortic aneurysm and aortic dissection (TAAD). Also called: Thoracic aortic aneurysms and dissections. Identifiers: Orphanet 91387, MedGen C4707243, MONDO:0019625.
Classic homocystinuria. Also called: HOMOCYSTINURIA WITH OR WITHOUT RESPONSE TO PYRIDOXINE; Homocystinuria due to Cystathionine Beta-Synthase Deficiency; Homocystinuria due to CBS deficiency; Cystathionine beta-synthase deficiency; CBS deficiency. Identifiers: Orphanet 394, MedGen C0751202, MONDO:0009352, OMIM 236200.

Allele frequency attached by ClinVar (database versions not stated): gnomAD 0.00003; ExAC 0.00011; gnomAD exomes 0.00013; ESP Exome Variant Server 0.00023.

Submissions (8):

Women's Health and Genetics/Laboratory Corporation of America, LabCorp
Classification: Likely benign. Last evaluated: 2026-05-30. Review status: criteria provided, single submitter. Criteria: LabCorp Variant Classification Summary - May 2015. Collection method: clinical testing. Allele origin: germline.

CeGaT Center for Human Genetics Tuebingen
Classification: Likely benign. Last evaluated: 2026-05-01. Review status: criteria provided, single submitter. Criteria: CeGaT Center For Human Genetics Tuebingen Variant Classification Criteria Version 2. Collection method: clinical testing. Allele origin: germline. Affected: yes. Observed: 2 variant alleles.
Comment: CBS: PM2:Supporting, BP4, BP7

Labcorp Genetics (formerly Invitae), Labcorp
Classification: Likely benign for HYPERHOMOCYSTEINEMIA, THROMBOTIC, CBS-RELATED. Last evaluated: 2026-01-20. Review status: criteria provided, single submitter. Criteria: Invitae Variant Classification Sherloc (09022015). Collection method: clinical testing. Allele origin: germline.

Ambry Genetics
Classification: Likely benign for Familial thoracic aortic aneurysm and aortic dissection. Last evaluated: 2022-01-20. Review status: criteria provided, single submitter. Criteria: Ambry Variant Classification Scheme 2023. Collection method: clinical testing. Allele origin: germline.

GeneDx
Classification: Likely benign. Last evaluated: 2020-11-12. Review status: criteria provided, single submitter. Criteria: GeneDx Variant Classification Process June 2021. Collection method: clinical testing. Allele origin: germline. Affected: yes.

Illumina Laboratory Services, Illumina
Classification: Uncertain significance for Classic homocystinuria. Last evaluated: 2018-01-12. Review status: criteria provided, single submitter. Criteria: ICSL Variant Classification Criteria 13 December 2019. Collection method: clinical testing. Allele origin: germline.

Natera, Inc.
Classification: Likely benign for Homocystinuria due to cystathionine beta-synthase deficiency. Last evaluated: 2020-02-09. Review status: no assertion criteria provided. Collection method: clinical testing. Allele origin: germline. Not counted in ClinVar's aggregate classification.

PreventionGenetics, part of Exact Sciences
Classification: Likely benign for CBS-related condition. Last evaluated: 2019-07-11. Review status: no assertion criteria provided. Collection method: clinical testing. Allele origin: germline. Not counted in ClinVar's aggregate classification.
Comment: This variant is classified as likely benign based on ACMG/AMP sequence variant interpretation guidelines (Richards et al. 2015 PMID: 25741868, with internal and published modifications).

NM_000071.3(CBS):c.924C>T (p.Tyr308=)

Gene: CBS (cystathionine beta-synthase; minus strand). Cytogenetic location: 21q22.3.
Variant type: single nucleotide variant.
Coding change: c.924C>T on transcript NM_000071.3 (MANE Select); coding-DNA position 924, C replaced by T.
Protein change: p.Tyr308=; no amino-acid change (tyrosine 308 retained).
Molecular consequence: synonymous variant.
Genome position (GRCh38, 1-based): chr21:43,062,983, G>A on the plus strand (C>T on the coding strand, the complement: CBS is on the minus strand). VCF-style: chr21-43062983-G-A. GRCh37 (hg19) VCF-style: chr21-44483093-G-A.
Other names: c.924C>T, p.Tyr308= (NM_001178008.3, NM_001178009.3, NM_001320298.2); c.609C>T, p.Tyr203= (NM_001321072.1).
Identifiers: ClinVar variation 340084 (VCV000340084.38), dbSNP rs149809170, ClinGen allele CA10653006.